The following is an entry in ClinVar:

NM_001388303.1(HECTD4):c.1376G>T (p.Arg459Leu)

Gene: HECTD4 (HECT domain E3 ubiquitin protein ligase 4; minus strand). Cytogenetic location: 12q24.13.
Variant type: single nucleotide variant.
Coding change: c.1376G>T on transcript NM_001388303.1 (MANE Select); coding-DNA position 1376, G replaced by T.
Protein change: p.Arg459Leu; replaces arginine 459 with leucine.
Molecular consequence: missense variant.
Genome position (GRCh38, 1-based): chr12:112,283,262, C>A on the plus strand (G>T on the coding strand, the complement: HECTD4 is on the minus strand). VCF-style: chr12-112283262-C-A. GRCh37 (hg19) VCF-style: chr12-112721066-C-A.
Other names: c.1376G>T, p.Arg459Leu (NM_001109662.4); short protein forms R459L.
Identifiers: ClinVar variation 2629601 (VCV002629601.1), dbSNP rs544019388, ClinGen allele CA386829854.

ClinVar aggregate classification (germline): Uncertain significance (1 of 4 stars; one submission).

Conditions:
HECTD4-related disorder. Also called: HECTD4-related condition.

gnomAD v4.1: 3 of 1,613,236 alleles (0.00019%); highest among the groups gnomAD compares: Middle Eastern, 0.017%; no homozygotes.

Submission:

PreventionGenetics, part of Exact Sciences
Classification: Uncertain significance for HECTD4-related condition. Last evaluated: 2022-12-29. Review status: criteria provided, single submitter. Criteria: ACMG Guidelines, 2015. Collection method: clinical testing. Allele origin: germline.
Comment: The HECTD4 c.944G>T variant is predicted to result in the amino acid substitution p.Arg315Leu. To our knowledge, this variant has not been reported in the literature or in a large population database, indicating this variant is rare. At this time, the clinical significance of this variant is uncertain due to the absence of conclusive functional and genetic evidence.